The following is an entry in ClinVar:

ClinVar aggregate classification (germline): Likely pathogenic (1 of 4 stars; one submission).

Submission:

GeneDx
Classification: Likely pathogenic. Last evaluated: 2025-06-18. Review status: criteria provided, single submitter. Criteria: GeneDx Variant Classification Process June 2021. Collection method: clinical testing. Allele origin: germline. Affected: yes.
Comment: Affects a glycine residue in a Gly-X-Y motif in the triple helical region of the COL4A3 gene, where the majority of pathogenic missense variants occur, and is predicted to disrupt normal protein folding and function (HGMD; PMID: 10752524); Not observed at significant frequency in large population cohorts (gnomAD); In silico analysis supports that this missense variant has a deleterious effect on protein structure/function; Has not been previously published as pathogenic or benign to our knowledge; This variant is associated with the following publications: (PMID: 10752524)

NM_000091.5(COL4A3):c.2065G>C (p.Gly689Arg)

Genes: COL4A3 (collagen type IV alpha 3 chain; plus strand), MFF-DT (MFF divergent transcript; minus strand). Cytogenetic location: 2q36.3.
Variant type: single nucleotide variant.
Coding change: c.2065G>C on transcript NM_000091.5 (MANE Select); coding-DNA position 2065, G replaced by C.
Protein change: p.Gly689Arg; replaces glycine 689 with arginine.
Molecular consequence: missense variant.
Genome position (GRCh38, 1-based): chr2:227,277,493, G>C. VCF-style: chr2-227277493-G-C. GRCh37 (hg19) VCF-style: chr2-228142209-G-C.
Other names: short protein forms G689R.
Identifiers: ClinVar variation 4538832 (VCV004538832.1).